The following is an entry in ClinVar:

NM_006363.6(SEC23B):c.301A>G (p.Ile101Val)

Gene: SEC23B (SEC23 homolog B, COPII component; plus strand). Cytogenetic location: 20p11.23.
Variant type: single nucleotide variant.
Coding change: c.301A>G on transcript NM_006363.6 (MANE Select); coding-DNA position 301, A replaced by G.
Protein change: p.Ile101Val; replaces isoleucine 101 with valine.
Molecular consequence: missense variant.
Genome position (GRCh38, 1-based): chr20:18,515,671, A>G. VCF-style: chr20-18515671-A-G. GRCh37 (hg19) VCF-style: chr20-18496315-A-G.
Other names: c.301A>G, p.Ile101Val (NM_001172745.3, NM_001172746.3, NM_032985.6 and 1 more transcripts); short protein forms I101V.
Identifiers: ClinVar variation 337791 (VCV000337791.9), dbSNP rs754320262, ClinGen allele CA9777995.

ClinVar aggregate classification (germline): Uncertain significance. Review status: criteria provided, multiple submitters, no conflicts (2 of 4 stars). 3 submissions from 3 submitters: Uncertain significance (3). Last evaluated 2024-11-11.

Conditions:
Congenital dyserythropoietic anemia, type II (CDAN2). Also called: DYSERYTHROPOIETIC ANEMIA, HEMPAS TYPE. Identifiers: Orphanet 98873, MedGen C1306589, MONDO:0009134, OMIM 224100.
Cowden syndrome 7 (CWS7). Identifiers: Orphanet 201, MedGen C4225179, MONDO:0014802, OMIM 616858.

Allele frequency attached by ClinVar (database versions not stated): gnomAD 0.00001; gnomAD exomes 0.00001 and 0.00004; TOPMed 0.00001; ExAC 0.00007.
gnomAD v4.1: 21 of 1,609,744 alleles (0.0013%); highest among the groups gnomAD compares: East Asian, 0.02%; no homozygotes.

Submissions (3):

Labcorp Genetics (formerly Invitae), Labcorp
Classification: Uncertain significance for Congenital dyserythropoietic anemia, type II; Cowden syndrome 7. Last evaluated: 2024-11-11. Review status: criteria provided, single submitter. Criteria: Invitae Variant Classification Sherloc (09022015). Collection method: clinical testing. Allele origin: germline.
Comment: This sequence change replaces isoleucine, which is neutral and non-polar, with valine, which is neutral and non-polar, at codon 101 of the SEC23B protein (p.Ile101Val). This variant is present in population databases (rs754320262, gnomAD 0.04%). This missense change has been observed in individual(s) with thyroid carcinoma (PMID: 26522472). ClinVar contains an entry for this variant (Variation ID: 337791). Invitae Evidence Modeling of protein sequence and biophysical properties (such as structural, functional, and spatial information, amino acid conservation, physicochemical variation, residue mobility, and thermodynamic stability) indicates that this missense variant is not expected to disrupt SEC23B protein function with a negative predictive value of 95%. In summary, the available evidence is currently insufficient to determine the role of this variant in disease. Therefore, it has been classified as a Variant of Uncertain Significance.

Blueprint Genetics
Classification: Uncertain significance. Last evaluated: 2023-02-16. Review status: criteria provided, single submitter. Criteria: ACMG Guidelines, 2015. Collection method: clinical testing. Allele origin: germline.

Illumina Laboratory Services, Illumina
Classification: Uncertain significance for Congenital dyserythropoietic anemia, type II. Last evaluated: 2018-01-12. Review status: criteria provided, single submitter. Criteria: ICSL Variant Classification Criteria 13 December 2019. Collection method: clinical testing. Allele origin: germline.

Literature cited by the submitters: PubMed 26522472 (cited by Labcorp Genetics (formerly Invitae), Labcorp).